The following is an entry in ClinVar:

NM_020708.5(SLC12A5):c.1688+108A>C

Gene: SLC12A5 (solute carrier family 12 member 5; plus strand). Cytogenetic location: 20q13.12.
Variant type: single nucleotide variant.
Coding change: c.1688+108A>C on transcript NM_020708.5 (MANE Select); 108 bases into the intron after coding-DNA position 1688, A replaced by C.
Molecular consequence: intron variant.
Genome position (GRCh38, 1-based): chr20:46,046,104, A>C. VCF-style: chr20-46046104-A-C. GRCh37 (hg19) VCF-style: chr20-44674743-A-C.
Other names: c.1757+108A>C (NM_001134771.2).
Identifiers: ClinVar variation 1179801 (VCV001179801.5), dbSNP rs2297199, ClinGen allele CA14758287.
Genomic context (GRCh38, chr20:46,046,104, plus strand): 5'-TATCTGAATCCTGCAGCCGTTACCTGTGACAACCCACCCAGACACTTTAGCAACCCCAGG[A>C]AGTTCCCCATTGGTCATAGAAGCCCATCGTTTGTTATAGAGAGATTCATCCACACGTGTT-3'

ClinVar aggregate classification (germline): Benign. Review status: criteria provided, multiple submitters, no conflicts (2 of 4 stars). 3 submissions from 3 submitters: Benign (3). Last evaluated 2024-07-31.

Allele frequency attached by ClinVar (database versions not stated): gnomAD 0.44201 and 0.44814; TOPMed 0.44493; 1000 Genomes Project 0.48582; 1000 Genomes Project 30x 0.48657; gnomAD exomes 0.48968.
gnomAD v4.1: 493,585 of 1,021,666 alleles (48%); highest among the groups gnomAD compares: East Asian, 59%; 121,426 homozygotes.

Submissions (3):

Unidad de Genómica Garrahan, Hospital de Pediatría Garrahan
Classification: Benign. Last evaluated: 2024-07-31. Review status: criteria provided, single submitter. Criteria: ACMG Guidelines, 2015. Collection method: clinical testing. Allele origin: germline. Affected: no. Observed: 45 variant alleles.
Comment: This variant is classified as Benign based on local population frequency. This variant was detected in 48% of patients studied in a panel designed for Epileptic and Developmental Encephalopathy, Progressive Myoclonus Epilepsy and Abnormal Movements and Neurodegeneration with brain iron accumulation. Number of patients: 45. Only high quality variants are reported.

GeneDx
Classification: Benign. Last evaluated: 2018-11-12. Review status: criteria provided, single submitter. Criteria: GeneDx Variant Classification Process June 2021. Collection method: clinical testing. Allele origin: germline. Affected: yes.

Breakthrough Genomics
Classification: Benign. Review status: criteria provided, single submitter. Criteria: ACMG Guidelines, 2015. Collection method: not provided. Allele origin: germline. Inheritance: Autosomal recessive inheritance. Affected: yes.